The following is an entry in ClinVar:

NM_000051.4(ATM):c.1470dup (p.Thr491fs)

Gene: ATM (ATM serine/threonine kinase; plus strand). Cytogenetic location: 11q22.3.
Variant type: Duplication.
Coding change: c.1470dup on transcript NM_000051.4 (MANE Select); coding-DNA position 1470, one base duplicated (T; older notation c.1470dupT).
Protein change: p.Thr491fs; shifts the reading frame from threonine 491.
Molecular consequence: frameshift variant.
Genome position (GRCh38, 1-based): chr11:108,250,935, T duplicated; the last of 2 consecutive T bases (chr11:108,250,934-108,250,935); duplicating either gives the same sequence. VCF-style (leftmost placement, unchanged base first): chr11-108250933-A-AT. GRCh37 (hg19) VCF-style: chr11-108121660-A-AT.
Other names: c.1470dupT (NM_000051.3); c.1470dup, p.Thr491fs (NM_001351834.2); short protein forms T491fs.
Identifiers: ClinVar variation 1195278 (VCV001195278.8), dbSNP rs2135323866, ClinGen allele CA2499220566.

ClinVar aggregate classification (germline): Pathogenic/Likely pathogenic. Review status: criteria provided, multiple submitters, no conflicts (2 of 4 stars). 2 submissions from 2 submitters: Pathogenic (1); Likely pathogenic (1). Last evaluated 2025-05-28.

Conditions:
Familial cancer of breast. Also called: BREAST CANCER, FAMILIAL; Hereditary breast cancer; hereditary breast carcinoma. Identifiers: Orphanet 227535, MedGen C0346153, MONDO:0016419, OMIM 114480. Disease mechanism: loss of function.
Ataxia-telangiectasia syndrome (AT). Also called: LOUIS-BAR SYNDROME; Ataxia telangiectasia (A-T); Cerebello-oculocutaneous telangiectasia; Immunodeficiency with ataxia telangiectasia; Ataxia-telangiectasia, complementation group E; Ataxia-telangiectasia, complementation group D. Identifiers: Orphanet 100, MedGen C0004135, MONDO:0008840, OMIM 208900.

Submissions (2):

GeneDx
Classification: Pathogenic. Last evaluated: 2025-05-28. Review status: criteria provided, single submitter. Criteria: GeneDx Variant Classification Process June 2021. Collection method: clinical testing. Allele origin: germline. Affected: yes.
Comment: Frameshift variant predicted to result in protein truncation or nonsense mediated decay in a gene for which loss of function is a known mechanism of disease; Not observed at significant frequency in large population cohorts (gnomAD); Truncating variants in this gene are considered pathogenic by a well-established clinical consortium and/or database; Reported in the homozygous state in a patient with ataxia-telangiectasia in published literature (PMID: 38917355); This variant is associated with the following publications: (PMID: 35150601, 38917355)

Fulgent Genetics
Classification: Likely pathogenic for Familial cancer of breast; Ataxia-telangiectasia syndrome. Last evaluated: 2024-05-13. Review status: criteria provided, single submitter. Criteria: ACMG Guidelines, 2015. Collection method: clinical testing. Allele origin: germline.